The following is an entry in ClinVar:

ClinVar aggregate classification (germline): Uncertain significance (1 of 4 stars; one submission).

Conditions:
Long QT syndrome (LQTS). Identifiers: MedGen C0023976, MeSH D008133, MONDO:0002442. Disease mechanism: loss of function. Inheritance: Various modes of inheritance.

Allele frequency attached by ClinVar (database versions not stated): gnomAD exomes 0.00001; TOPMed below 0.00001; ExAC 0.00001.
gnomAD v4.1: 3 of 1,614,056 alleles (0.00019%); highest among the groups gnomAD compares: Admixed American, 0.005%; no homozygotes.

Submission:

Labcorp Genetics (formerly Invitae), Labcorp
Classification: Uncertain significance for Long QT syndrome. Last evaluated: 2022-03-14. Review status: criteria provided, single submitter. Criteria: Invitae Variant Classification Sherloc (09022015). Collection method: clinical testing. Allele origin: germline.
Comment: This variant has not been reported in the literature in individuals affected with ANK2-related conditions. Algorithms developed to predict the effect of missense changes on protein structure and function are either unavailable or do not agree on the potential impact of this missense change (SIFT: "Deleterious"; PolyPhen-2: "Probably Damaging"; Align-GVGD: "Class C0"). In summary, the available evidence is currently insufficient to determine the role of this variant in disease. Therefore, it has been classified as a Variant of Uncertain Significance. This sequence change replaces glycine, which is neutral and non-polar, with arginine, which is basic and polar, at codon 1931 of the ANK2 protein (p.Gly1931Arg). This variant is present in population databases (rs780408473, gnomAD 0.009%).

NM_001148.6(ANK2):c.5791G>A (p.Gly1931Arg)

Genes: ANK2 (ankyrin 2; plus strand), LOC126807136 (MED14-independent group 3 enhancer GRCh37_chr4:114274931-114276130; plus strand). Cytogenetic location: 4q26.
Variant type: single nucleotide variant.
Coding change: c.5791G>A on transcript NM_001148.6 (MANE Select); coding-DNA position 5791, G replaced by A.
Protein change: p.Gly1931Arg; replaces glycine 1931 with arginine.
Molecular consequence: missense variant. On other transcripts: intron variant (68).
Genome position (GRCh38, 1-based): chr4:113,354,409, G>A. VCF-style: chr4-113354409-G-A. GRCh37 (hg19) VCF-style: chr4-114275565-G-A.
Other names: c.5557G>A, p.Gly1853Arg (NM_001386142.1); c.2191G>A, p.Gly731Arg (NM_001386166.1); c.5932G>A, p.Gly1978Arg (NM_001386174.1); c.5908G>A, p.Gly1970Arg (NM_001386175.1); c.4411+4160G>A (NM_001386186.2, NM_001386148.2); c.4213+4160G>A (NM_001354269.3); c.4291+4160G>A (NM_001386187.2); c.4252+4160G>A (NM_001386147.1); and 35 more; short protein forms G1931R, G1853R, G731R, G1970R, G1978R.
Identifiers: ClinVar variation 2054721 (VCV002054721.4), dbSNP rs780408473, ClinGen allele CA3051300.
Genomic context (GRCh38, chr4:113,354,409, plus strand): 5'-GACAAACGTCCACCTGTATCGCCCTCCGGGAGGACAGAAAAACACCCGCCAGTATCGCCT[G>A]GGAGAACAGAAAAACGCTTGCCTGTTTCACCCTCCGGAAGAACGGACAAGCACCAACCTG-3'
Protein context (NP_001139.3, residues 1921-1941): RTEKHPPVSP[Gly1931Arg]RTEKRLPVSP